The following is an entry in ClinVar:

ClinVar aggregate classification (germline): Pathogenic. Review status: criteria provided, multiple submitters, no conflicts (2 of 4 stars). 5 submissions from 5 submitters: Pathogenic (3). 2 of the submissions do not count toward it. Last evaluated 2023-02-09.

Conditions:
PRPH2-related disorder. Also called: PRPH2-related disorders; PRPH2-related condition. Identifiers: MedGen CN239395.
Retinal dystrophy. Also called: Inherited retinal dystrophy. Identifiers: Orphanet 71862, MedGen C0854723, MeSH D058499, MONDO:0019118, HP:0000556.

Submissions (5):

Labcorp Genetics (formerly Invitae), Labcorp
Classification: Pathogenic for PRPH2-related disorder. Last evaluated: 2023-02-09. Review status: criteria provided, single submitter. Criteria: Invitae Variant Classification Sherloc (09022015). Collection method: clinical testing. Allele origin: germline.
Comment: For these reasons, this variant has been classified as Pathogenic. ClinVar contains an entry for this variant (Variation ID: 98680). This variant is also known as K193del. This premature translational stop signal has been observed in individual(s) with autosomal dominant retinal degeneration (PMID: 8675410). This variant is not present in population databases (gnomAD no frequency). This sequence change creates a premature translational stop signal (p.Lys193Argfs*24) in the PRPH2 gene. It is expected to result in an absent or disrupted protein product. Loss-of-function variants in PRPH2 are known to be pathogenic (PMID: 8111389, 8485575, 8485576, 8675410, 16916875, 17504850, 22863181, 25675413, 26061163, 27365499, 29555955, 33546218).

Institute of Human Genetics, Univ. Regensburg, Univ. Regensburg
Classification: Pathogenic for Retinal dystrophy. Last evaluated: 2022-01-01. Review status: criteria provided, single submitter. Criteria: ACMG Guidelines, 2015. Collection method: clinical testing. Allele origin: germline. Affected: yes.

Blueprint Genetics
Classification: Pathogenic for PRPH2-related disorders. Last evaluated: 2019-11-25. Review status: criteria provided, single submitter. Criteria: ACMG Guidelines, 2015. Collection method: clinical testing. Allele origin: germline. Affected: yes. Observed: 5 variant alleles.

Leiden Open Variation Database
Classification: Pathogenic. Last evaluated: 2021-04-06. Review status: no assertion criteria provided. Collection method: curation. Allele origin: germline. Affected: yes. Not counted in ClinVar's aggregate classification.
Comment: Curator: Global Variome, with Curator vacancy. Submitter to LOVD: Manon Peeters.

Retina International
No classification provided. Review status: no classification provided. Collection method: not provided. Allele origin: not provided. Not counted in ClinVar's aggregate classification.

Literature cited by the submitters: PubMed 8675410 (cited by 3 submitters); PubMed 8111389 (cited by Labcorp Genetics (formerly Invitae), Labcorp); PubMed 8485575 (cited by Labcorp Genetics (formerly Invitae), Labcorp); PubMed 8485576 (cited by Labcorp Genetics (formerly Invitae), Labcorp); PubMed 16916875 (cited by Labcorp Genetics (formerly Invitae), Labcorp); PubMed 17504850 (cited by Labcorp Genetics (formerly Invitae), Labcorp); PubMed 22863181 (cited by Labcorp Genetics (formerly Invitae), Labcorp); PubMed 25675413 (cited by Labcorp Genetics (formerly Invitae), Labcorp); PubMed 26061163 (cited by Labcorp Genetics (formerly Invitae), Labcorp); PubMed 27365499 (cited by Labcorp Genetics (formerly Invitae), Labcorp); PubMed 29555955 (cited by Labcorp Genetics (formerly Invitae), Labcorp); PubMed 33546218 (cited by Labcorp Genetics (formerly Invitae), Labcorp); PubMed 3441139 (cited by Institute of Human Genetics, Univ. Regensburg, Univ. Regensburg).

NM_000322.5(PRPH2):c.578_579del (p.Lys193fs)

Gene: PRPH2 (peripherin 2; minus strand). Cytogenetic location: 6p21.1.
Variant type: Deletion.
Coding change: c.578_579del on transcript NM_000322.5 (MANE Select); coding-DNA positions 578 to 579, 2 bases deleted (AA; older notation c.578_579delAA).
Protein change: p.Lys193fs; shifts the reading frame from lysine 193.
Molecular consequence: frameshift variant.
Genome position (GRCh38, 1-based): chr6:42,721,756-42,721,757, TT deleted on the plus strand (AA on the coding strand, the reverse complement: PRPH2 is on the minus strand); deleting any 2 consecutive bases within chr6:42,721,756-42,721,758 gives the same sequence; the c. name uses the placement nearest the transcript's 3' end. VCF-style (leftmost placement, unchanged base first): chr6-42721755-CTT-C. GRCh37 (hg19) VCF-style: chr6-42689493-CTT-C.
Other names: c.578_579del (NM_000322.4); short protein forms K193fs.
Identifiers: ClinVar variation 98680 (VCV000098680.13), dbSNP rs62645929, ClinGen allele CA226258.